The following is an entry in ClinVar:

ClinVar aggregate classification (germline): Pathogenic. Review status: criteria provided, multiple submitters, no conflicts (2 of 4 stars). 4 submissions from 4 submitters: Pathogenic (2). 2 of the submissions do not count toward it. Last evaluated 2026-08-12.

Conditions:
CUL3-related disorder. Also called: CUL3-related condition; CUL3-related disorders.
Pseudohypoaldosteronism type 2E (PHA2E). Also called: Pseudohypoaldosteronism Type IIE. Identifiers: Orphanet 300530, Orphanet 757, MedGen C3469606, MONDO:0013782, OMIM 614496.
Pseudohypoaldosteronism type 2A (PHA2A). Also called: GORDON HYPERKALEMIA-HYPERTENSION SYNDROME; HYPERTENSIVE HYPERKALEMIA, FAMILIAL. Identifiers: Orphanet 757, Orphanet 88938, MedGen C1840389, MONDO:0007772, OMIM 145260.

Submissions (4):

GeneDx
Classification: Pathogenic. Last evaluated: 2026-08-12. Review status: criteria provided, single submitter. Criteria: GeneDx Variant Classification Process June 2021. Collection method: clinical testing. Allele origin: germline.
Comment: Published functional studies demonstrate the variant leads to an in-frame deletion consistent with exon 9 skipping, resulting in a gain of function effect (PMID: 22266938, 25250572); Not observed at significant frequency in large population cohorts (gnomAD); In silico analysis suggests that this variant does not alter splicing; This variant is associated with the following publications: (PMID: 23453970, 25250572, 31802109, 22266938, 42548885)

PreventionGenetics, part of Exact Sciences
Classification: Pathogenic for CUL3-related condition. Last evaluated: 2024-11-04. Review status: criteria provided, single submitter. Criteria: ACMG Guidelines, 2015. Collection method: clinical testing. Allele origin: germline.
Comment: The CUL3 c.1207-26A>G variant is predicted to interfere with splicing. This variant was reported to occur de novo in at least three individuals with pseudohypoaldosteronism type II and was reported to disrupt the splicing branch point site (Supp. Fig 6; families K4, K27, K28 in Boyden et al. 2012. PubMed ID: 22266938). Functional studies in HEK293 cells indicate this variant results in skipping of exon 9 and an in-frame deletion of 57 amino acids (residues 403-459, Boyden et al. 2012. PubMed ID: 22266938). Additional functional studies indicate this protein disrupts ubiquitylation and kinase activities and impairs normal WNK degradation (McCormick et al. 2014. PubMed ID: 25250572). This variant has not been reported in a large population database (gnomAD), indicating this variant is rare. This variant is interpreted as pathogenic.

OMIM
Classification: Pathogenic for PSEUDOHYPOALDOSTERONISM, TYPE IIE. Last evaluated: 2012-01-22. Review status: no assertion criteria provided. Collection method: literature only. Allele origin: germline. Not counted in ClinVar's aggregate classification.

Richard Lifton Laboratory, Yale University School of Medicine
Classification: Pathogenic for Pseudohypoaldosteronism, type 2. Review status: no assertion criteria provided. Collection method: not provided. Allele origin: germline. Not counted in ClinVar's aggregate classification.
Comment: dominant;observed de novo;intron 8 branch point
ClinVar note: Converted during submission from pathogenic to Pathogenic.

Literature cited by the submitters: PubMed 22266938 (cited by OMIM).

NM_003590.5(CUL3):c.1207-26A>G

Gene: CUL3 (cullin 3; minus strand). Cytogenetic location: 2q36.2.
Variant type: single nucleotide variant.
Coding change: c.1207-26A>G on transcript NM_003590.5 (MANE Select); 26 bases into the intron before coding-DNA position 1207, A replaced by G.
Molecular consequence: intron variant.
Genome position (GRCh38, 1-based): chr2:224,503,848, T>C on the plus strand (A>G on the coding strand, the complement: CUL3 is on the minus strand). VCF-style: chr2-224503848-T-C. GRCh37 (hg19) VCF-style: chr2-225368565-T-C.
Other names: EX9_a(-26)g; IVS8, A-G, -26; c.1009-26A>G (NM_001257197.2); c.1225-26A>G (NM_001257198.2); c.1207-26A>G (NM_003590.4).
Identifiers: ClinVar variation 100517 (VCV000100517.6), dbSNP rs199469650, ClinGen allele CA269956.